The following is an entry in ClinVar:

NM_001458.5(FLNC):c.4928-2A>G

Gene: FLNC (filamin C; plus strand). Cytogenetic location: 7q32.1.
Variant type: single nucleotide variant.
Coding change: c.4928-2A>G on transcript NM_001458.5 (MANE Select); the canonical splice acceptor site of the intron before coding-DNA position 4928, A replaced by G.
Molecular consequence: splice acceptor variant.
Genome position (GRCh38, 1-based): chr7:128,849,179, A>G. VCF-style: chr7-128849179-A-G. GRCh37 (hg19) VCF-style: chr7-128489233-A-G.
Other names: c.4928-2A>G (NM_001127487.2).
Identifiers: ClinVar variation 3221734 (VCV003221734.1), dbSNP rs2536649818, ClinGen allele CA369203716.

ClinVar aggregate classification (germline): Uncertain significance (1 of 4 stars; one submission).

Conditions:
Cardiovascular phenotype. Identifiers: MedGen CN230736.

Allele frequency attached by ClinVar (database versions not stated): gnomAD exomes below 0.00001.
gnomAD v4.1: 1 of 1,611,716 alleles (0.000062%); no homozygotes.

Submission:

Ambry Genetics
Classification: Uncertain significance for Cardiovascular phenotype. Last evaluated: 2023-10-25. Review status: criteria provided, single submitter. Criteria: Ambry Variant Classification Scheme 2023. Collection method: clinical testing. Allele origin: germline.
Comment: The c.4928-2A>G intronic variant results from an A to G substitution two nucleotides upstream from coding exon 29 in the FLNC gene. Alterations that disrupt the canonical splice site are expected to result in aberrant splicing. In silico splice site analysis predicts that this alteration will weaken the native splice acceptor site and will result in the creation or strengthening of a novel splice acceptor site. The resulting transcript is predicted to be in-frame and is not expected to trigger nonsense-mediated mRNAdecay; however, direct evidence is unavailable. The exact functional effect of the altered amino acid sequence is unknown. This nucleotide position is highly conserved in available vertebrate species. Since supporting evidence is limited at this time, the clinical significance of this alteration remains unclear.